The following is an entry in ClinVar:

ClinVar aggregate classification (germline): Uncertain significance (1 of 4 stars; one submission).

Submission:

GeneDx
Classification: Uncertain significance. Last evaluated: 2022-12-13. Review status: criteria provided, single submitter. Criteria: GeneDx Variant Classification Process June 2021. Collection method: clinical testing. Allele origin: germline. Affected: yes.
Comment: Not observed at significant frequency in large population cohorts (gnomAD); In silico analysis supports that this missense variant has a deleterious effect on protein structure/function; Has not been previously published as pathogenic or benign to our knowledge

NM_020461.4(TUBGCP6):c.4839C>G (p.Asn1613Lys)

Gene: TUBGCP6 (tubulin gamma complex component 6; minus strand). Cytogenetic location: 22q13.33.
Variant type: single nucleotide variant.
Coding change: c.4839C>G on transcript NM_020461.4 (MANE Select); coding-DNA position 4839, C replaced by G.
Protein change: p.Asn1613Lys; replaces asparagine 1613 with lysine.
Molecular consequence: missense variant.
Genome position (GRCh38, 1-based): chr22:50,218,603, G>C on the plus strand (C>G on the coding strand, the complement: TUBGCP6 is on the minus strand). VCF-style: chr22-50218603-G-C. GRCh37 (hg19) VCF-style: chr22-50657032-G-C.
Other names: short protein forms N1613K.
Identifiers: ClinVar variation 2505799 (VCV002505799.1), dbSNP rs200631749, ClinGen allele CA412167686.